The following is an entry in ClinVar:

NM_001297.5(CNGB1):c.1209+18C>T

Gene: CNGB1 (cyclic nucleotide gated channel subunit beta 1; minus strand). Cytogenetic location: 16q21.
Variant type: single nucleotide variant.
Coding change: c.1209+18C>T on transcript NM_001297.5 (MANE Select); 18 bases into the intron after coding-DNA position 1209, C replaced by T.
Molecular consequence: intron variant.
Genome position (GRCh38, 1-based): chr16:57,940,216, G>A on the plus strand (C>T on the coding strand, the complement: CNGB1 is on the minus strand). VCF-style: chr16-57940216-G-A. GRCh37 (hg19) VCF-style: chr16-57974120-G-A.
Other names: c.1191+18C>T (NM_001286130.2).
Identifiers: ClinVar variation 1059316 (VCV001059316.9), dbSNP rs370097431, ClinGen allele CA722118485.

ClinVar aggregate classification (germline): Uncertain significance (1 of 4 stars; one submission).

Submission:

Labcorp Genetics (formerly Invitae), Labcorp
Classification: Uncertain significance. Last evaluated: 2022-01-13. Review status: criteria provided, single submitter. Criteria: Invitae Variant Classification Sherloc (09022015). Collection method: clinical testing. Allele origin: germline.
Comment: This sequence change falls in intron 15 of the CNGB1 gene. It does not directly change the encoded amino acid sequence of the CNGB1 protein. This variant is not present in population databases (gnomAD no frequency). This variant has not been reported in the literature in individuals affected with CNGB1-related conditions. ClinVar contains an entry for this variant (Variation ID: 1059316). Algorithms developed to predict the effect of sequence changes on RNA splicing suggest that this variant may create or strengthen a splice site. In summary, the available evidence is currently insufficient to determine the role of this variant in disease. Therefore, it has been classified as a Variant of Uncertain Significance.